The following is an entry in ClinVar:

ClinVar aggregate classification (germline): Pathogenic/Likely pathogenic. Review status: criteria provided, multiple submitters, no conflicts (2 of 4 stars). 2 submissions from 2 submitters: Pathogenic (1); Likely pathogenic (1). Last evaluated 2020-03-29.

Conditions:
Spermatogenic failure 28. Identifiers: MedGen C4748117, MONDO:0054732, OMIM 618086.
Premature ovarian failure 15. Identifiers: MedGen C4748170, MONDO:0054862, OMIM 618096.
Fanconi anemia (FA). Also called: Fanconi's anemia. Identifiers: Orphanet 84, MedGen C0015625, MeSH D005199, MONDO:0019391.

Submissions (2):

Labcorp Genetics (formerly Invitae), Labcorp
Classification: Pathogenic for Fanconi anemia. Last evaluated: 2020-03-29. Review status: criteria provided, single submitter. Criteria: Invitae Variant Classification Sherloc (09022015). Collection method: clinical testing. Allele origin: germline.
Comment: Loss-of-function variants in FANCM are known to be pathogenic (PMID: 29895858, 30075111). This sequence change creates a premature translational stop signal (p.Gln1175*) in the FANCM gene. It is expected to result in an absent or disrupted protein product. This variant is not present in population databases (ExAC no frequency). This variant has not been reported in the literature in individuals with FANCM-related conditions. For these reasons, this variant has been classified as Pathogenic.

Juno Genomics, Hangzhou Juno Genomics, Inc
Classification: Likely pathogenic for Spermatogenic failure 28; Premature ovarian failure 15. Review status: criteria provided, single submitter. Criteria: ACMG Guidelines, 2015. Collection method: clinical testing. Allele origin: germline.
Comment: Absent from controls (or at extremely low frequency if recessive) in Genome Aggregation Database.;Null variant in a gene where loss of function (LOF) is a known mechanism of disease.

Literature cited by the submitters: PubMed 29895858 (cited by Labcorp Genetics (formerly Invitae), Labcorp); PubMed 30075111 (cited by Labcorp Genetics (formerly Invitae), Labcorp).

NM_020937.4(FANCM):c.3523C>T (p.Gln1175Ter)

Gene: FANCM (FA complementation group M; plus strand). Cytogenetic location: 14q21.2.
Variant type: single nucleotide variant.
Coding change: c.3523C>T on transcript NM_020937.4 (MANE Select); coding-DNA position 3523, C replaced by T.
Protein change: p.Gln1175Ter; replaces glutamine 1175 with a stop codon.
Molecular consequence: nonsense.
Genome position (GRCh38, 1-based): chr14:45,176,277, C>T. VCF-style: chr14-45176277-C-T. GRCh37 (hg19) VCF-style: chr14-45645480-C-T.
Other names: c.3445C>T, p.Gln1149Ter (NM_001308133.2); short protein forms Q1149*, Q1175*.
Identifiers: ClinVar variation 1069425 (VCV001069425.9), dbSNP rs2139249281, ClinGen allele CA389601900.